The following is an entry in ClinVar:

ClinVar aggregate classification (germline): Benign/Likely benign. Review status: criteria provided, multiple submitters, no conflicts (2 of 4 stars). 2 submissions from 2 submitters: Benign (1); Likely benign (1). Last evaluated 2025-10-24.

Conditions:
ALG9 congenital disorder of glycosylation (CDG1L). Also called: CDG Il; CONGENITAL DISORDER OF GLYCOSYLATION, TYPE Il; ALG9-CDG. Identifiers: Orphanet 79328, MedGen C2931006, MONDO:0012117, OMIM 608776.

Allele frequency attached by ClinVar (database versions not stated): ExAC 0.00890; gnomAD exomes 0.04930; 1000 Genomes Project 0.16753.

Submissions (2):

Labcorp Genetics (formerly Invitae), Labcorp
Classification: Likely benign for ALG9 congenital disorder of glycosylation. Last evaluated: 2025-10-24. Review status: criteria provided, single submitter. Criteria: Invitae Variant Classification Sherloc (09022015). Collection method: clinical testing. Allele origin: germline.

GeneDx
Classification: Benign. Last evaluated: 2016-10-19. Review status: criteria provided, single submitter. Criteria: GeneDx Variant Classification (06012015). Collection method: clinical testing. Allele origin: germline. Affected: yes.
Comment: This variant is considered likely benign or benign based on one or more of the following criteria: it is a conservative change, it occurs at a poorly conserved position in the protein, it is predicted to be benign by multiple in silico algorithms, and/or has population frequency not consistent with disease.

NM_024740.2(ALG9):c.132-11C>T

Gene: ALG9 (ALG9 alpha-1,2-mannosyltransferase; minus strand). Cytogenetic location: 11q23.1.
Variant type: single nucleotide variant.
Coding change: c.132-11C>T on transcript NM_024740.2 (MANE Select); 11 bases into the intron before coding-DNA position 132, C replaced by T.
Molecular consequence: intron variant.
Genome position (GRCh38, 1-based): chr11:111,870,381, G>A on the plus strand (C>T on the coding strand, the complement: ALG9 is on the minus strand). VCF-style: chr11-111870381-G-A. GRCh37 (hg19) VCF-style: chr11-111741104-G-A.
Other names: c.-244+971C>T (NM_001352409.1); c.132-11C>T (NM_001352418.1, NM_001352417.1, NM_001077690.1); c.-386-11C>T (NM_001352410.1, NM_001352413.1, NM_001352423.2 and 2 more transcripts); c.-382-11C>T (NM_001352412.2, NM_001352414.2, NM_001077692.2 and 5 more transcripts); c.-600-11C>T (NM_001352422.2).
Identifiers: ClinVar variation 380165 (VCV000380165.2), dbSNP rs575472506, ClinGen allele CA6274755.